The following is an entry in ClinVar:

ClinVar aggregate classification (germline): Uncertain significance. Review status: criteria provided, multiple submitters, no conflicts (2 of 4 stars). 3 submissions from 3 submitters: Uncertain significance (2). 1 of the submissions does not count toward it. Last evaluated 2025-07-09.

Conditions:
Usher syndrome type 1 (USH1). Also called: RETINITIS PIGMENTOSA AND CONGENITAL DEAFNESS. Identifiers: Orphanet 231169, Orphanet 886, MedGen C1568247, MONDO:0010168, OMIM 276900.
Autosomal recessive nonsyndromic hearing loss 12. Also called: DEAFNESS, AUTOSOMAL RECESSIVE 12. Identifiers: Orphanet 90636, MedGen C1832394, MONDO:0011067, OMIM 601386.

Allele frequency attached by ClinVar (database versions not stated): gnomAD below 0.00001 and 0.00001; TOPMed 0.00002; gnomAD exomes 0.00001 and below 0.00001.
gnomAD v4.1: 9 of 1,613,202 alleles (0.00056%); highest among the groups gnomAD compares: East Asian, 0.0067%; no homozygotes.

Submissions (3):

Labcorp Genetics (formerly Invitae), Labcorp
Classification: Uncertain significance. Last evaluated: 2025-07-09. Review status: criteria provided, single submitter. Criteria: Invitae Variant Classification Sherloc (09022015). Collection method: clinical testing. Allele origin: germline.
Comment: This sequence change replaces valine, which is neutral and non-polar, with alanine, which is neutral and non-polar, at codon 1335 of the CDH23 protein (p.Val1335Ala). This variant is present in population databases (no rsID available, gnomAD 0.006%). This variant has not been reported in the literature in individuals affected with CDH23-related conditions. ClinVar contains an entry for this variant (Variation ID: 972162). Invitae Evidence Modeling of protein sequence and biophysical properties (such as structural, functional, and spatial information, amino acid conservation, physicochemical variation, residue mobility, and thermodynamic stability) has been performed for this missense variant. However, the output from this modeling did not meet the statistical confidence thresholds required to predict the impact of this variant on CDH23 protein function. In summary, the available evidence is currently insufficient to determine the role of this variant in disease. Therefore, it has been classified as a Variant of Uncertain Significance.

3billion
Classification: Uncertain significance for Autosomal recessive nonsyndromic hearing loss 12. Last evaluated: 2022-05-22. Review status: criteria provided, single submitter. Criteria: ACMG Guidelines, 2015. Collection method: clinical testing. Allele origin: germline. Affected: yes. Observed: 1 heterozygote.
Comment: The variant is observed at an extremely low frequency in the gnomAD v2.1.1 dataset (total allele frequency: <0.001%). In silico tool predictions suggest damaging effect of the variant on gene or gene product (REVEL: 0.76; 3Cnet: 0.18). Therefore, this variant is classified as uncertain significanceaccording to the recommendation of ACMG/AMP guideline.

Natera, Inc.
Classification: Uncertain significance for Usher syndrome type 1. Last evaluated: 2020-08-12. Review status: no assertion criteria provided. Collection method: clinical testing. Allele origin: germline. Not counted in ClinVar's aggregate classification.

NM_022124.6(CDH23):c.4004T>C (p.Val1335Ala)

Genes: C10orf105 (chromosome 10 open reading frame 105; minus strand), CDH23 (cadherin related 23; plus strand). Cytogenetic location: 10q22.1.
Variant type: single nucleotide variant.
Coding change: c.4004T>C on transcript NM_022124.6 (MANE Select); coding-DNA position 4004, T replaced by C.
Protein change: p.Val1335Ala; replaces valine 1335 with alanine.
Molecular consequence: missense variant. On other transcripts: intron variant (1).
Genome position (GRCh38, 1-based): chr10:71,732,275, T>C. VCF-style: chr10-71732275-T-C. GRCh37 (hg19) VCF-style: chr10-73492032-T-C.
Other names: c.4004T>C, p.Val1335Ala (NM_001171930.2); c.-6+5453A>G (NM_001168390.2); short protein forms V1335A.
Identifiers: ClinVar variation 972162 (VCV000972162.9), dbSNP rs1364542092, ClinGen allele CA377156707.